The following is an entry in ClinVar:

ClinVar aggregate classification (germline): Uncertain significance (1 of 4 stars; one submission).

Conditions:
Dilated cardiomyopathy 1G (CMD1G). Identifiers: Orphanet 154, MedGen C1858763, MONDO:0011400, OMIM 604145.
Autosomal recessive limb-girdle muscular dystrophy type 2J (LGMDR10). Also called: MUSCULAR DYSTROPHY, LIMB-GIRDLE, AUTOSOMAL RECESSIVE 10; Limb-girdle muscular dystrophy, type 2J. Identifiers: Orphanet 140922, MedGen C1837342, MONDO:0012127, OMIM 608807.

gnomAD v4.1: 1 of 1,613,398 alleles (0.000062%); highest among the groups gnomAD compares: Admixed American, 0.0017%; no homozygotes.

Submission:

Labcorp Genetics (formerly Invitae), Labcorp
Classification: Uncertain significance for Dilated cardiomyopathy 1G; Autosomal recessive limb-girdle muscular dystrophy type 2J. Last evaluated: 2022-08-09. Review status: criteria provided, single submitter. Criteria: Invitae Variant Classification Sherloc (09022015). Collection method: clinical testing. Allele origin: germline.
Comment: This variant is not present in population databases (gnomAD no frequency). This variant is located in the M band of TTN (PMID: 25589632). Variants in this region may be relevant for neuromuscular disorders, but have not been definitively shown to cause cardiomyopathy (PMID: 23975875). In summary, the available evidence is currently insufficient to determine the role of this variant in disease. Therefore, it has been classified as a Variant of Uncertain Significance. Experimental studies and prediction algorithms are not available or were not evaluated, and the functional significance of this variant is currently unknown. This variant has not been reported in the literature in individuals affected with TTN-related conditions. This sequence change replaces valine, which is neutral and non-polar, with leucine, which is neutral and non-polar, at codon 34380 of the TTN protein (p.Val34380Leu).

Literature cited by the submitters: PubMed 25589632; PubMed 23975875.

NM_001267550.2(TTN):c.103138G>C (p.Val34380Leu)

Genes: TTN (titin; minus strand), TTN-AS1 (TTN antisense RNA 1; plus strand). Cytogenetic location: 2q31.2.
Variant type: single nucleotide variant.
Coding change: c.103138G>C on transcript NM_001267550.2 (MANE Select); coding-DNA position 103138, G replaced by C.
Protein change: p.Val34380Leu; replaces valine 34380 with leucine.
Molecular consequence: missense variant.
Genome position (GRCh38, 1-based): chr2:178,533,477, C>G on the plus strand (G>C on the coding strand, the complement: TTN is on the minus strand). VCF-style: chr2-178533477-C-G. GRCh37 (hg19) VCF-style: chr2-179398204-C-G.
Other names: c.98215G>C, p.Val32739Leu (NM_001256850.1); c.75943G>C, p.Val25315Leu (NM_003319.4); c.95434G>C, p.Val31812Leu (NM_133378.4); c.76318G>C, p.Val25440Leu (NM_133432.3); c.76519G>C, p.Val25507Leu (NM_133437.4); short protein forms V32739L, V34380L, V25440L, V25507L, V25315L, V31812L.
Identifiers: ClinVar variation 2181422 (VCV002181422.4), dbSNP rs749967687, ClinGen allele CA349415040.
Genomic context (GRCh38, chr2:178,533,477, plus strand): 5'-CATCTTTCTCCCATTTTAATGTTGGTGGGGGGATGCCAGACACTCTGATCTCAAAGCAGA[C>G]ACTTTGGCCTTCTTGGCATTCTGCATTTGCCAGTAACCTTTTGAACATGGGTCTTAAGGT-3'
Protein context (NP_001254479.2, residues 34370-34390): ANAECQEGQS[Val34380Leu]CFEIRVSGIP